The following is an entry in ClinVar:

NM_012401.4(PLXNB2):c.1275C>G (p.Thr425=)

Gene: PLXNB2 (plexin B2; minus strand). Cytogenetic location: 22q13.33.
Variant type: single nucleotide variant.
Coding change: c.1275C>G on transcript NM_012401.4 (MANE Select); coding-DNA position 1275, C replaced by G.
Protein change: p.Thr425=; no amino-acid change (threonine 425 retained).
Molecular consequence: synonymous variant.
Genome position (GRCh38, 1-based): chr22:50,288,848, G>C on the plus strand (C>G on the coding strand, the complement: PLXNB2 is on the minus strand). VCF-style: chr22-50288848-G-C. GRCh37 (hg19) VCF-style: chr22-50727277-G-C.
Other names: c.1275C>G, p.Thr425= (NM_001376864.1, NM_001376865.1, NM_001376866.1 and 20 more transcripts).
Identifiers: ClinVar variation 4533868 (VCV004533868.6).
Genomic context (GRCh38, chr22:50,288,848, plus strand): 5'-TACCAGGTCGCGCTTGACTCTCTTGTTTATCTCCACAAGGATAGAGTCGTACTCTGAGGA[G>C]GTGCCATCTGGGGTGAGGTACACCTGTGTGCGCGAGGGCAGGCCGGTGAGGGTACGGGCC-3'
Protein context (NP_036533.2, residues 415-435): ILKVYLTPDG[Thr425=]SSEYDSILVE

ClinVar aggregate classification (germline): Likely benign (1 of 4 stars; one submission).

Submission:

CeGaT Center for Human Genetics Tuebingen
Classification: Likely benign. Last evaluated: 2025-10-01. Review status: criteria provided, single submitter. Criteria: CeGaT Center For Human Genetics Tuebingen Variant Classification Criteria Version 2. Collection method: clinical testing. Allele origin: germline. Affected: yes. Observed: 1 variant allele.
Comment: PLXNB2: BP4, BP7